The following is an entry in ClinVar:

NM_000321.3(RB1):c.434del (p.Asp145fs)

Gene: RB1 (RB transcriptional corepressor 1; plus strand). Cytogenetic location: 13q14.2.
Variant type: Deletion.
Coding change: c.434del on transcript NM_000321.3 (MANE Select); coding-DNA position 434, one base deleted (A; older notation c.434delA).
Protein change: p.Asp145fs; shifts the reading frame from aspartic acid 145.
Molecular consequence: frameshift variant.
Genome position (GRCh38, 1-based): chr13:48,345,133, A deleted. VCF-style (leftmost placement, unchanged base first): chr13-48345132-GA-G. GRCh37 (hg19) VCF-style: chr13-48919268-GA-G.
Other names: c.434delA (NM_000321.2); short protein forms D145fs.
Identifiers: ClinVar variation 428740 (VCV000428740.5), dbSNP rs1131690912, ClinGen allele CA645369551.

ClinVar aggregate classification (germline): Pathogenic (1 of 4 stars; one submission).

Conditions:
Hereditary cancer-predisposing syndrome. Also called: Hereditary Cancer Syndrome; Neoplastic Syndromes, Hereditary; Hereditary neoplastic syndrome; Tumor predisposition. Identifiers: Orphanet 140162, MedGen C0027672, MeSH D009386, MONDO:0015356.

Submission:

Ambry Genetics
Classification: Pathogenic for Hereditary cancer-predisposing syndrome. Last evaluated: 2016-12-09. Review status: criteria provided, single submitter. Criteria: Ambry Variant Classification Scheme 2023. Collection method: clinical testing. Allele origin: germline.
Comment: The c.434delA pathogenic mutation, located in coding exon 4 of the RB1 gene, results from a deletion of one nucleotide at nucleotide position 434, causing a translational frameshift with a predicted alternate stop codon (p.D145Vfs*8). This alteration is expected to result in loss of function by premature protein truncation or nonsense-mediated mRNA decay. As such, this alteration is interpreted as a disease-causing mutation.